The following is an entry in ClinVar:

NM_001292063.2(OTOG):c.7924C>T (p.Arg2642Trp)

Gene: OTOG (otogelin; plus strand). Cytogenetic location: 11p15.1.
Variant type: single nucleotide variant.
Coding change: c.7924C>T on transcript NM_001292063.2 (MANE Select); coding-DNA position 7924, C replaced by T.
Protein change: p.Arg2642Trp; replaces arginine 2642 with tryptophan.
Molecular consequence: missense variant.
Genome position (GRCh38, 1-based): chr11:17,639,452, C>T. VCF-style: chr11-17639452-C-T. GRCh37 (hg19) VCF-style: chr11-17660999-C-T.
Other names: c.7960C>T, p.Arg2654Trp (NM_001277269.2); short protein forms R2642W, R2654W.
Identifiers: ClinVar variation 1899651 (VCV001899651.3), dbSNP rs200993057, ClinGen allele CA218455118.

ClinVar aggregate classification (germline): Uncertain significance. Review status: criteria provided, multiple submitters, no conflicts (2 of 4 stars). 2 submissions from 2 submitters: Uncertain significance (2). Last evaluated 2022-12-23.

Allele frequency attached by ClinVar (database versions not stated): gnomAD exomes 0.00002; TOPMed 0.00002.
gnomAD v4.1: 26 of 1,550,712 alleles (0.0017%); highest among the groups gnomAD compares: Middle Eastern, 0.033%; no homozygotes.

Submissions (2):

Blueprint Genetics
Classification: Uncertain significance. Last evaluated: 2022-12-23. Review status: criteria provided, single submitter. Criteria: ACMG Guidelines, 2015. Collection method: clinical testing. Allele origin: germline.

Labcorp Genetics (formerly Invitae), Labcorp
Classification: Uncertain significance. Last evaluated: 2021-12-25. Review status: criteria provided, single submitter. Criteria: Invitae Variant Classification Sherloc (09022015). Collection method: clinical testing. Allele origin: germline.
Comment: This sequence change replaces arginine, which is basic and polar, with tryptophan, which is neutral and slightly polar, at codon 2654 of the OTOG protein (p.Arg2654Trp). This variant is present in population databases (rs200993057, gnomAD 0.01%). This variant has not been reported in the literature in individuals affected with OTOG-related conditions. Algorithms developed to predict the effect of missense changes on protein structure and function are either unavailable or do not agree on the potential impact of this missense change (SIFT: "Deleterious"; PolyPhen-2: "Possibly Damaging"; Align-GVGD: "Class C0"). In summary, the available evidence is currently insufficient to determine the role of this variant in disease. Therefore, it has been classified as a Variant of Uncertain Significance.